The following is an entry in ClinVar:

ClinVar aggregate classification (germline): not provided (0 of 4 stars; one submission).

Conditions:
Developmental and epileptic encephalopathy, 7 (DEE7). Also called: KCNQ2-Related Neonatal Epileptic Encephalopathy; Early infantile epileptic encephalopathy 7; KCNQ2-Related Neonatal-Onset Developmental and Epileptic Encephalopathy (NEO-DEE). Identifiers: Orphanet 439218, MedGen C3150986, MONDO:0013387, OMIM 613720.

Submission:

GeneReviews
No classification provided. Condition: Developmental and epileptic encephalopathy, 7. Review status: no classification provided. Collection method: literature only. Allele origin: germline. Affected: yes.
Comment: Uncertain severity

Literature cited by the submitters: PubMed 25566516; NCBI Bookshelf NBK32534.

NM_172107.4(KCNQ2):c.643G>A (p.Gly215Arg)

Gene: KCNQ2 (potassium voltage-gated channel subfamily Q member 2; minus strand). Cytogenetic location: 20q13.33.
Variant type: single nucleotide variant.
Coding change: c.643G>A on transcript NM_172107.4 (MANE Select); coding-DNA position 643, G replaced by A.
Protein change: p.Gly215Arg; replaces glycine 215 with arginine.
Molecular consequence: missense variant.
Genome position (GRCh38, 1-based): chr20:63,444,706, C>T on the plus strand (G>A on the coding strand, the complement: KCNQ2 is on the minus strand). VCF-style: chr20-63444706-C-T. GRCh37 (hg19) VCF-style: chr20-62076059-C-T.
Other names: c.643G>A, p.Gly215Arg (NM_004518.6, NM_172106.3, NM_172108.5 and 1 more transcripts); short protein forms G215R.
Identifiers: ClinVar variation 369756 (VCV000369756.2), dbSNP rs1057516088, ClinGen allele CA10654823.
Genomic context (GRCh38, chr20:63,444,706, plus strand): 5'-GGCCGTGACTCACCTTGCTGTGGGCATAGACCACAGAGCCCAGCAGCTTCCAGGTGCCTC[C>T]CCGCCGGTCCATGCGGATCATCCGCAGAATCTGCAGGAAGCGCAGGCTCCGGAGCGCAGA-3'
Protein context (NP_742105.1, residues 205-225): ILRMIRMDRR[Gly215Arg]GTWKLLGSVV